The following is an entry in ClinVar:

ClinVar aggregate classification (germline): Uncertain significance. Review status: criteria provided, multiple submitters, no conflicts (2 of 4 stars). 2 submissions from 2 submitters: Uncertain significance (2). Last evaluated 2024-03-20.

Conditions:
Pitt-Hopkins syndrome (PTHS). Also called: ENCEPHALOPATHY, SEVERE EPILEPTIC, WITH AUTONOMIC DYSFUNCTION; MENTAL RETARDATION, SYNDROMAL, WITH INTERMITTENT HYPERVENTILATION. Identifiers: Orphanet 2896, MedGen C1970431, MONDO:0012589, OMIM 610954.
Corneal dystrophy, Fuchs endothelial, 3 (FECD3). Also called: FCD2 LOCUS. Identifiers: Orphanet 98974, MedGen C2750451, MONDO:0013203, OMIM 613267.

gnomAD v4.1: 7 of 1,614,146 alleles (0.00043%); highest among the groups gnomAD compares: South Asian, 0.0033%; no homozygotes.

Submissions (2):

Labcorp Genetics (formerly Invitae), Labcorp
Classification: Uncertain significance for Pitt-Hopkins syndrome. Last evaluated: 2024-03-20. Review status: criteria provided, single submitter. Criteria: Invitae Variant Classification Sherloc (09022015). Collection method: clinical testing. Allele origin: germline.
Comment: This sequence change replaces alanine, which is neutral and non-polar, with serine, which is neutral and polar, at codon 664 of the TCF4 protein (p.Ala664Ser). This variant is present in population databases (rs755332116, gnomAD 0.02%). This variant has not been reported in the literature in individuals affected with TCF4-related conditions. ClinVar contains an entry for this variant (Variation ID: 468954). Advanced modeling of protein sequence and biophysical properties (such as structural, functional, and spatial information, amino acid conservation, physicochemical variation, residue mobility, and thermodynamic stability) performed at Invitae indicates that this missense variant is not expected to disrupt TCF4 protein function with a negative predictive value of 95%. In summary, the available evidence is currently insufficient to determine the role of this variant in disease. Therefore, it has been classified as a Variant of Uncertain Significance.

Fulgent Genetics
Classification: Uncertain significance for Pitt-Hopkins syndrome; Corneal dystrophy, Fuchs endothelial, 3. Last evaluated: 2022-04-29. Review status: criteria provided, single submitter. Criteria: ACMG Guidelines, 2015. Collection method: clinical testing. Allele origin: unknown.

NM_001083962.2(TCF4):c.1990G>T (p.Ala664Ser)

Gene: TCF4 (transcription factor 4; minus strand). Cytogenetic location: 18q21.2.
Variant type: single nucleotide variant.
Coding change: c.1990G>T on transcript NM_001083962.2 (MANE Select); coding-DNA position 1990, G replaced by T.
Protein change: p.Ala664Ser; replaces alanine 664 with serine.
Molecular consequence: missense variant.
Genome position (GRCh38, 1-based): chr18:55,228,251, C>A on the plus strand (G>T on the coding strand, the complement: TCF4 is on the minus strand). VCF-style: chr18-55228251-C-A. GRCh37 (hg19) VCF-style: chr18-52895482-C-A.
Other names: c.2296G>T, p.Ala766Ser (NM_001243226.3); c.1918G>T, p.Ala640Ser (NM_001243227.2, NM_001348217.1, NM_001348218.2 and 1 more transcripts); c.2008G>T, p.Ala670Ser (NM_001243228.2); c.1969G>T, p.Ala657Ser (NM_001243230.2); c.1852G>T, p.Ala618Ser (NM_001243231.2); c.1777G>T, p.Ala593Ser (NM_001243232.1); c.1588G>T, p.Ala530Ser (NM_001243233.2, NM_001348212.2); c.1510G>T, p.Ala504Ser (NM_001243234.2, NM_001348216.2); and 14 more; short protein forms A664S, A639S, A659S, A663S, A766S, A448S, A499S, A500S.
Identifiers: ClinVar variation 468954 (VCV000468954.11), dbSNP rs755332116, ClinGen allele CA8970112.